The following is an entry in ClinVar:

NM_006371.5(CRTAP):c.*3950G>A

Gene: CRTAP (cartilage associated protein; plus strand). Cytogenetic location: 3p22.3.
Variant type: single nucleotide variant.
Coding change: c.*3950G>A on transcript NM_006371.5 (MANE Select); 3950 bases downstream of the stop codon, G replaced by A.
Molecular consequence: 3 prime UTR variant.
Genome position (GRCh38, 1-based): chr3:33,146,398, G>A. VCF-style: chr3-33146398-G-A. GRCh37 (hg19) VCF-style: chr3-33187890-G-A.
Identifiers: ClinVar variation 899959 (VCV000899959.4), dbSNP rs141093723, ClinGen allele CA72674834.

ClinVar aggregate classification (germline): Likely benign (1 of 4 stars; one submission).

Conditions:
Osteogenesis imperfecta type 7 (OI7). Also called: OSTEOGENESIS IMPERFECTA, TYPE IIB; Osteogenesis imperfecta type 2B; OI type 2B; Osteogenesis imperfecta, perinatal lethal autosomal recessive; OI type IIB; OI type 7. Identifiers: MedGen C1853162, MONDO:0012536, OMIM 610682.

Allele frequency attached by ClinVar (database versions not stated): 1000 Genomes Project 0.00459; gnomAD 0.00494 and 0.00541; 1000 Genomes Project 30x 0.00547; TOPMed 0.00564.

Submission:

Illumina Laboratory Services, Illumina
Classification: Likely benign for Osteogenesis imperfecta type 7. Last evaluated: 2018-01-13. Review status: criteria provided, single submitter. Criteria: ICSL Variant Classification Criteria 13 December 2019. Collection method: clinical testing. Allele origin: germline.
Comment: This variant was observed in the ICSL laboratory as part of a predisposition screen in an ostensibly healthy population. It had not been previously curated by ICSL or reported in the Human Gene Mutation Database (HGMD: prior to June 1st, 2018), and was therefore a candidate for classification through an automated scoring system. Utilizing variant allele frequency, disease prevalence and penetrance estimates, and inheritance mode, an automated score was calculated to assess if this variant is too frequent to cause the disease. Based on the score and internal cut-off values, a variant classified as likely benign is not then subjected to further curation. The score for this variant resulted in a classification of likely benign for this disease.